The following is an entry in ClinVar:

NM_001844.5(COL2A1):c.4321del (p.His1441fs)

Gene: COL2A1 (collagen type II alpha 1 chain; minus strand). Cytogenetic location: 12q13.11.
Variant type: Deletion.
Coding change: c.4321del on transcript NM_001844.5 (MANE Select); coding-DNA position 4321, one base deleted (C; older notation c.4321delC).
Protein change: p.His1441fs; shifts the reading frame from histidine 1441.
Molecular consequence: frameshift variant.
Genome position (GRCh38, 1-based): chr12:47,973,550, G deleted on the plus strand (C on the coding strand, the reverse complement: COL2A1 is on the minus strand). VCF-style (leftmost placement, unchanged base first): chr12-47973549-TG-T. GRCh37 (hg19) VCF-style: chr12-48367332-TG-T.
Other names: c.4114del, p.His1372fs (NM_033150.3); short protein forms H1372fs, H1441fs.
Identifiers: ClinVar variation 3392542 (VCV003392542.1).
Genomic context (GRCh38, chr12:47,973,549, plus strand): 5'-GGGAGGCGTGAGGTCTTCTGTGACCGGTACTCGATAACAGTCTTGCCCCACTTACCGGTA[TG>T]TTTCTAGGGGAGAAAAAAGGAGGAGGCTCTGTTCAGTAGATGCCTTGCTACCCAGTTCCA-3'

ClinVar aggregate classification (germline): Likely pathogenic (1 of 4 stars; one submission).

Conditions:
Spondyloperipheral dysplasia. Also called: Spondyloperipheral dysplasia-short ulna syndrome; SPONDYLOPERIPHERAL DYSPLASIA WITH SHORT ULNA. Identifiers: Orphanet 1856, MedGen C0796173, MONDO:0010078, OMIM 271700.

Submission:

MVZ Medizinische Genetik Mainz
Classification: Likely pathogenic for Spondyloperipheral dysplasia. Last evaluated: 2024-12-11. Review status: criteria provided, single submitter. Criteria: UK Practice Guidelines For Variant Classification V4 01 2020. Collection method: clinical testing. Allele origin: germline. Inheritance: Autosomal dominant inheritance. Affected: yes. Observed: 1 variant allele.
Comment: ACMG Criteria: PVS1_STR,PM2_SUP